The following is an entry in ClinVar:

NM_000143.4(FH):c.874A>C (p.Lys292Gln)

Gene: FH (fumarate hydratase; minus strand). Cytogenetic location: 1q43.
Variant type: single nucleotide variant.
Coding change: c.874A>C on transcript NM_000143.4 (MANE Select); coding-DNA position 874, A replaced by C.
Protein change: p.Lys292Gln; replaces lysine 292 with glutamine.
Molecular consequence: missense variant.
Genome position (GRCh38, 1-based): chr1:241,506,033, T>G on the plus strand (A>C on the coding strand, the complement: FH is on the minus strand). VCF-style: chr1-241506033-T-G. GRCh37 (hg19) VCF-style: chr1-241669333-T-G.
Other names: short protein forms K292Q.
Identifiers: ClinVar variation 822700 (VCV000822700.19), dbSNP rs771087739, ClinGen allele CA1478598.

ClinVar aggregate classification (germline): Uncertain significance. Review status: criteria provided, multiple submitters, no conflicts (2 of 4 stars). 4 submissions from 4 submitters: Uncertain significance (3). 1 of the submissions does not count toward it. Last evaluated 2026-08-13.

Conditions:
Fumarase deficiency (FMRD). Also called: Fumaric aciduria; Fumarate Hydratase Deficiency. Identifiers: Orphanet 24, MedGen C0342770, MONDO:0011730, OMIM 606812.
Hereditary cancer-predisposing syndrome. Also called: Tumor predisposition; Hereditary neoplastic syndrome; Neoplastic Syndromes, Hereditary; Hereditary Cancer Syndrome. Identifiers: Orphanet 140162, MedGen C0027672, MeSH D009386, MONDO:0015356.

Allele frequency attached by ClinVar (database versions not stated): ExAC 0.00001; TOPMed 0.00004.
gnomAD v4.1: 2 of 1,614,014 alleles (0.00012%); highest among the groups gnomAD compares: Admixed American, 0.0033%; no homozygotes.

Submissions (4):

Ambry Genetics
Classification: Uncertain significance for Hereditary cancer-predisposing syndrome. Last evaluated: 2026-08-13. Review status: criteria provided, single submitter. Criteria: Ambry Variant Classification Scheme 2023. Collection method: clinical testing. Allele origin: germline.
Comment: The p.K292Q variant (also known as c.874A>C), located in coding exon 6 of the FH gene, results from an A to C substitution at nucleotide position 874. The lysine at codon 292 is replaced by glutamine, an amino acid with similar properties. This amino acid position is highly conserved in available vertebrate species. In addition, this alteration is predicted to be deleterious by in silico analysis. Based on the available evidence, the clinical significance of this variant remains unclear.

Labcorp Genetics (formerly Invitae), Labcorp
Classification: Uncertain significance. Last evaluated: 2026-01-22. Review status: criteria provided, single submitter. Criteria: Invitae Variant Classification Sherloc (09022015). Collection method: clinical testing. Allele origin: germline.
Comment: This sequence change replaces lysine, which is basic and polar, with glutamine, which is neutral and polar, at codon 292 of the FH protein (p.Lys292Gln). This variant is present in population databases (rs771087739, gnomAD 0.006%). This variant has not been reported in the literature in individuals affected with FH-related conditions. ClinVar contains an entry for this variant (Variation ID: 822700). Invitae Evidence Modeling of protein sequence and biophysical properties (such as structural, functional, and spatial information, amino acid conservation, physicochemical variation, residue mobility, and thermodynamic stability) has been performed for this missense variant. However, the output from this modeling did not meet the statistical confidence thresholds required to predict the impact of this variant on FH protein function. In summary, the available evidence is currently insufficient to determine the role of this variant in disease. Therefore, it has been classified as a Variant of Uncertain Significance.

Baylor Genetics
Classification: Uncertain significance for Fumarase deficiency. Last evaluated: 2023-09-04. Review status: criteria provided, single submitter. Criteria: ACMG Guidelines, 2015. Collection method: clinical testing. Allele origin: unknown.

Natera, Inc.
Classification: Uncertain significance for Fumarase Deficiency. Last evaluated: 2021-02-08. Review status: no assertion criteria provided. Collection method: clinical testing. Allele origin: germline. Not counted in ClinVar's aggregate classification.